The following is an entry in ClinVar:

ClinVar aggregate classification (germline): Pathogenic. Review status: criteria provided, multiple submitters, no conflicts (2 of 4 stars). 4 submissions from 4 submitters: Pathogenic (4). Last evaluated 2025-12-01.

Conditions:
SLC12A3-related disorder. Also called: SLC12A3-related condition.
Familial hypokalemia-hypomagnesemia (GTLMNS). Also called: HYPOMAGNESEMIA-HYPOKALEMIA, PRIMARY RENOTUBULAR, WITH HYPOCALCIURIA; POTASSIUM AND MAGNESIUM DEPLETION; gitelman syndrome. Identifiers: Orphanet 358, MedGen C0268450, MONDO:0009904, OMIM 263800.

Allele frequency attached by ClinVar (database versions not stated): gnomAD exomes 0.00001 and 0.00002; TOPMed 0.00002; ExAC 0.00003.
gnomAD v4.1: 14 of 1,604,938 alleles (0.00087%); highest among the groups gnomAD compares: Non-Finnish European, 0.0012%; no homozygotes.

Submissions (4):

Natera, Inc.
Classification: Pathogenic for Gitelman syndrome. Last evaluated: 2025-12-01. Review status: criteria provided, single submitter. Criteria: Natera Variant Classification Schema (03/2026). Collection method: clinical testing. Allele origin: germline.
Comment: The c.1489A>T variant in SLC12A3 is a nonsense variant predicted to introduce a stop codon at amino acid 497. This variant is expected to result in nonsense mediated decay, truncation, or a dysfunctional protein product. This variant is rare in the general population with a frequency below the threshold expected for the associated phenotype(s). This variant has been observed in one or more individuals affected with the associated recessive disease, as either homozygous or compound heterozygous with a second variant (PMID: 35628451). Given the available evidence, this variant is classified as Pathogenic.

Labcorp Genetics (formerly Invitae), Labcorp
Classification: Pathogenic. Last evaluated: 2025-08-16. Review status: criteria provided, single submitter. Criteria: Invitae Variant Classification Sherloc (09022015). Collection method: clinical testing. Allele origin: germline.
Comment: This sequence change creates a premature translational stop signal (p.Lys497*) in the SLC12A3 gene. It is expected to result in an absent or disrupted protein product. Loss-of-function variants in SLC12A3 are known to be pathogenic (PMID: 20848653, 22009145, 25841442). This variant is present in population databases (rs746818109, gnomAD 0.004%). This premature translational stop signal has been observed in individuals with Gitelman syndrome (PMID: 11168953). ClinVar contains an entry for this variant (Variation ID: 852297). For these reasons, this variant has been classified as Pathogenic.

Women's Health and Genetics/Laboratory Corporation of America, LabCorp
Classification: Pathogenic for Familial hypokalemia-hypomagnesemia. Last evaluated: 2024-09-05. Review status: criteria provided, single submitter. Criteria: LabCorp Variant Classification Summary - May 2015. Collection method: clinical testing. Allele origin: germline.
Comment: Variant summary: SLC12A3 c.1489A>T (p.Lys497X) results in a premature termination codon, predicted to cause a truncation of the encoded protein or absence of the protein due to nonsense mediated decay, which are commonly known mechanisms for disease. The variant allele was found at a frequency of 1.7e-05 in 230414 control chromosomes (gnomAD). c.1489A>T has been reported in the literature in at least an individual affected with Gitelman Syndrome (Palazzo_2022). The following publication has been ascertained in the context of this evaluation (PMID: 35628451). ClinVar contains an entry for this variant (Variation ID: 852297). Based on the evidence outlined above, the variant was classified as pathogenic.

Blueprint Genetics
Classification: Pathogenic for SLC12A3-related disorders. Last evaluated: 2019-11-21. Review status: criteria provided, single submitter. Criteria: ACMG Guidelines, 2015. Collection method: clinical testing. Allele origin: germline. Affected: yes. Observed: 2 variant alleles.

Literature cited by the submitters: PubMed 35628451 (cited by Natera, Inc. and Women's Health and Genetics/Laboratory Corporation of America, LabCorp); PubMed 20848653 (cited by Labcorp Genetics (formerly Invitae), Labcorp); PubMed 22009145 (cited by Labcorp Genetics (formerly Invitae), Labcorp); PubMed 25841442 (cited by Labcorp Genetics (formerly Invitae), Labcorp); PubMed 11168953 (cited by Labcorp Genetics (formerly Invitae), Labcorp).

NM_001126108.2(SLC12A3):c.1489A>T (p.Lys497Ter)

Gene: SLC12A3 (solute carrier family 12 member 3; plus strand). Cytogenetic location: 16q13.
Variant type: single nucleotide variant.
Coding change: c.1489A>T on transcript NM_001126108.2 (MANE Select); coding-DNA position 1489, A replaced by T.
Protein change: p.Lys497Ter; replaces lysine 497 with a stop codon.
Molecular consequence: nonsense.
Genome position (GRCh38, 1-based): chr16:56,880,175, A>T. VCF-style: chr16-56880175-A-T. GRCh37 (hg19) VCF-style: chr16-56914087-A-T.
Other names: c.1489A>T, p.Lys497Ter (NM_000339.3); c.1486A>T, p.Lys496Ter (NM_001126107.2); short protein forms K496*, K497*.
Identifiers: ClinVar variation 852297 (VCV000852297.11), dbSNP rs746818109, ClinGen allele CA8069500.